The following is an entry in ClinVar:

ClinVar aggregate classification (germline): Uncertain significance (1 of 4 stars; one submission).

Submission:

GeneDx
Classification: Uncertain significance. Last evaluated: 2021-08-03. Review status: criteria provided, single submitter. Criteria: GeneDx Variant Classification Process June 2021. Collection method: clinical testing. Allele origin: germline. Affected: yes.
Comment: Not observed in large population cohorts (Lek et al., 2016); In silico analysis supports that this missense variant has a deleterious effect on protein structure/function; Has not been previously published as pathogenic or benign to our knowledge

NM_007325.5(GRIA3):c.791G>A (p.Gly264Glu)

Gene: GRIA3 (glutamate ionotropic receptor AMPA type subunit 3; plus strand). Cytogenetic location: Xq25.
Variant type: single nucleotide variant.
Coding change: c.791G>A on transcript NM_007325.5 (MANE Select); coding-DNA position 791, G replaced by A.
Protein change: p.Gly264Glu; replaces glycine 264 with glutamic acid.
Molecular consequence: missense variant.
Genome position (GRCh38, 1-based): chrX:123,395,008, G>A. VCF-style: chrX-123395008-G-A. GRCh37 (hg19) VCF-style: chrX-122528859-G-A.
Other names: c.791G>A, p.Gly264Glu (NM_000828.5); short protein forms G264E.
Identifiers: ClinVar variation 1314069 (VCV001314069.2), dbSNP rs2147378745, ClinGen allele CA414257257.